The following is an entry in ClinVar:

ClinVar aggregate classification (germline): Conflicting classifications of pathogenicity. Review status: criteria provided, conflicting classifications (1 of 4 stars). 4 submissions from 4 submitters: Uncertain significance (3); Likely benign (1). Last evaluated 2025-09-10.

Conditions:
Hereditary nonpolyposis colorectal neoplasms. Identifiers: MedGen C0009405, MeSH D003123.
Hereditary cancer-predisposing syndrome. Also called: Tumor predisposition; Hereditary Cancer Syndrome; Hereditary neoplastic syndrome; Neoplastic Syndromes, Hereditary. Identifiers: Orphanet 140162, MedGen C0027672, MeSH D009386, MONDO:0015356.
Lynch syndrome. Identifiers: Orphanet 144, MedGen C4552100, MONDO:0005835. Disease mechanism: loss of function.

Allele frequency attached by ClinVar (database versions not stated): gnomAD 0.00001; gnomAD exomes 0.00001; TOPMed 0.00001; 1000 Genomes Project 30x 0.00016; 1000 Genomes Project 0.00020.
gnomAD v4.1: 9 of 1,614,214 alleles (0.00056%); highest among the groups gnomAD compares: East Asian, 0.011%; no homozygotes.

Submissions (4):

Labcorp Genetics (formerly Invitae), Labcorp
Classification: Uncertain significance for Hereditary nonpolyposis colorectal neoplasms. Last evaluated: 2025-09-10. Review status: criteria provided, single submitter. Criteria: Invitae Variant Classification Sherloc (09022015). Collection method: clinical testing. Allele origin: germline.
Comment: This sequence change replaces isoleucine, which is neutral and non-polar, with valine, which is neutral and non-polar, at codon 462 of the PMS2 protein (p.Ile462Val). This variant is present in population databases (rs200116037, gnomAD 0.01%). This missense change has been observed in individual(s) with breast cancer (PMID: 35449176). ClinVar contains an entry for this variant (Variation ID: 486044). Invitae Evidence Modeling incorporating data from in vitro experimental studies (internal data) indicates that this missense variant is not expected to disrupt PMS2 function with a negative predictive value of 95%. In summary, the available evidence is currently insufficient to determine the role of this variant in disease. Therefore, it has been classified as a Variant of Uncertain Significance.

Ambry Genetics
Classification: Likely benign for Hereditary cancer-predisposing syndrome. Last evaluated: 2024-09-28. Review status: criteria provided, single submitter. Criteria: Ambry Variant Classification Scheme 2023. Collection method: clinical testing. Allele origin: germline.

Color Diagnostics, LLC DBA Color Health
Classification: Uncertain significance for Hereditary cancer-predisposing syndrome. Last evaluated: 2023-07-10. Review status: criteria provided, single submitter. Criteria: ACMG Guidelines, 2015. Collection method: clinical testing. Allele origin: germline.
Comment: This missense variant replaces isoleucine with valine at codon 462 of the PMS2 protein. Computational prediction suggests that this variant may not impact protein structure and function (internally defined REVEL score threshold <= 0.5, PMID: 27666373). To our knowledge, functional studies have not been reported for this variant. In a large breast cancer case-control study, this variant has been reported in 1/60466 cases and 4/53461 unaffected controls (PMID: 33471991). This variant has been identified in 2/251492 chromosomes in the general population by the Genome Aggregation Database (gnomAD). The available evidence is insufficient to determine the role of this variant in disease conclusively. Therefore, this variant is classified as a Variant of Uncertain Significance.

Department of Pathology and Laboratory Medicine, Sinai Health System
Classification: Uncertain significance for Lynch syndrome. Last evaluated: 2021-05-17. Review status: criteria provided, single submitter. Criteria: ACMG Guidelines, 2015. Collection method: clinical testing. Allele origin: germline. Affected: yes.

Literature cited by the submitters: PubMed 35449176 (cited by Labcorp Genetics (formerly Invitae), Labcorp); PubMed 33471991 (cited by Ambry Genetics and Color Diagnostics, LLC DBA Color Health).

NM_000535.7(PMS2):c.1384A>G (p.Ile462Val)

Gene: PMS2 (PMS1 homolog 2, mismatch repair system component; minus strand). Cytogenetic location: 7p22.1.
Variant type: single nucleotide variant.
Coding change: c.1384A>G on transcript NM_000535.7 (MANE Select); coding-DNA position 1384, A replaced by G.
Protein change: p.Ile462Val; replaces isoleucine 462 with valine.
Molecular consequence: missense variant. On other transcripts: non-coding transcript variant (1).
Genome position (GRCh38, 1-based): chr7:5,987,381, T>C on the plus strand (A>G on the coding strand, the complement: PMS2 is on the minus strand). VCF-style: chr7-5987381-T-C. GRCh37 (hg19) VCF-style: chr7-6027012-T-C.
Other names: c.979A>G, p.Ile327Val (NM_001322003.2, NM_001322004.2, NM_001322005.2 and 1 more transcripts); c.1228A>G, p.Ile410Val (NM_001322006.2); c.1066A>G, p.Ile356Val (NM_001322007.2, NM_001322008.2); c.823A>G, p.Ile275Val (NM_001322010.2); c.451A>G, p.Ile151Val (NM_001322011.2, NM_001322012.2); c.811A>G, p.Ile271Val (NM_001322013.2); c.1384A>G, p.Ile462Val (NM_001322014.2); c.1075A>G, p.Ile359Val (NM_001322015.2); short protein forms I462V, I275V, I356V, I271V, I151V, I327V, I359V, I410V.
Identifiers: ClinVar variation 486044 (VCV000486044.19), dbSNP rs200116037, ClinGen allele CA153228409.